The following is an entry in ClinVar:

ClinVar aggregate classification (germline): Conflicting classifications of pathogenicity. Review status: criteria provided, conflicting classifications (1 of 4 stars). 4 submissions from 4 submitters: Uncertain significance (3); Likely benign (1). Last evaluated 2025-06-28.

Conditions:
Hereditary cancer-predisposing syndrome. Also called: Neoplastic Syndromes, Hereditary; Hereditary Cancer Syndrome; Hereditary neoplastic syndrome; Tumor predisposition. Identifiers: Orphanet 140162, MedGen C0027672, MeSH D009386, MONDO:0015356.
Hereditary breast ovarian cancer syndrome. Also called: Hereditary breast and ovarian cancer syndrome (HBOC); Hereditary breast and ovarian cancer syndrome; Breast and ovarian cancer; BRCA1- and BRCA2-Associated Hereditary Breast and Ovarian Cancer; Hereditary breast and ovarian cancer; Hereditary breast and/or ovarian cancer syndrome. Identifiers: Orphanet 145, MedGen C0677776, MeSH D061325, MONDO:0003582. Disease mechanism: loss of function.

Submissions (4):

Ambry Genetics
Classification: Uncertain significance for Hereditary cancer-predisposing syndrome. Last evaluated: 2025-06-28. Review status: criteria provided, single submitter. Criteria: Ambry Variant Classification Scheme 2023. Collection method: clinical testing. Allele origin: germline.
Comment: The p.D1162Y variant (also known as c.3484G>T), located in coding exon 9 of the BRCA1 gene, results from a G to T substitution at nucleotide position 3484. The aspartic acid at codon 1162 is replaced by tyrosine, an amino acid with highly dissimilar properties. This variant was not reported in population based cohorts in the following databases: Database of Single Nucleotide Polymorphisms (dbSNP), NHLBI Exome Sequencing Project (ESP), and 1000 Genomes Project. In the ESP, this variant was not observed in 6503 samples (13006 alleles) with coverage at this position. To date, this alteration has been detected with an allele frequency of approximately 0.0003% (greater than 300000 alleles tested) in our clinical cohort. This amino acid position is not well conserved in available vertebrate species. In addition, the in silico prediction for this alteration is inconclusive. Since supporting evidence is limited at this time, the clinical significance of this alteration remains unclear.

Labcorp Genetics (formerly Invitae), Labcorp
Classification: Uncertain significance for Hereditary breast ovarian cancer syndrome. Last evaluated: 2023-08-28. Review status: criteria provided, single submitter. Criteria: Invitae Variant Classification Sherloc (09022015). Collection method: clinical testing. Allele origin: germline.
Comment: In summary, the available evidence is currently insufficient to determine the role of this variant in disease. Therefore, it has been classified as a Variant of Uncertain Significance. Advanced modeling of protein sequence and biophysical properties (such as structural, functional, and spatial information, amino acid conservation, physicochemical variation, residue mobility, and thermodynamic stability) performed at Invitae indicates that this missense variant is not expected to disrupt BRCA1 protein function. ClinVar contains an entry for this variant (Variation ID: 479213). This variant has not been reported in the literature in individuals affected with BRCA1-related conditions. This variant is not present in population databases (gnomAD no frequency). This sequence change replaces aspartic acid, which is acidic and polar, with tyrosine, which is neutral and polar, at codon 1162 of the BRCA1 protein (p.Asp1162Tyr).

University of Washington Department of Laboratory Medicine, University of Washington
Classification: Likely benign for Hereditary cancer-predisposing syndrome. Last evaluated: 2023-03-23. Review status: criteria provided, single submitter. Criteria: Dines et al. (Genet Med. 2020). Collection method: curation. Allele origin: germline.
Comment: Missense variant in a coldspot region where missense variants are very unlikely to be pathogenic (PMID:31911673).

BRCA1 coldspot (exon 11 using historical exon numbering). Reclassification based on statistical prior probability

Quest Diagnostics Nichols Institute San Juan Capistrano
Classification: Uncertain significance. Last evaluated: 2018-09-07. Review status: criteria provided, single submitter. Criteria: Quest Diagnostics criteria. Collection method: clinical testing. Allele origin: germline.

NM_007294.4(BRCA1):c.3484G>T (p.Asp1162Tyr)

Genes: BRCA1 (BRCA1 DNA repair associated; minus strand), LOC126862571 (BRD4-independent group 4 enhancer GRCh37_chr17:41243136-41244335; plus strand). Cytogenetic location: 17q21.31.
Variant type: single nucleotide variant.
Coding change: c.3484G>T on transcript NM_007294.4 (MANE Select); coding-DNA position 3484, G replaced by T.
Protein change: p.Asp1162Tyr; replaces aspartic acid 1162 with tyrosine.
Molecular consequence: missense variant. On other transcripts: intron variant (135).
Genome position (GRCh38, 1-based): chr17:43,092,047, C>A on the plus strand (G>T on the coding strand, the complement: BRCA1 is on the minus strand). VCF-style: chr17-43092047-C-A. GRCh37 (hg19) VCF-style: chr17-41244064-C-A.
Other names: c.3484G>T, p.Asp1162Tyr (NM_001407684.1, NM_001407581.1, NM_001407582.1 and 30 more transcripts); c.3358G>T, p.Asp1120Tyr (NM_001407685.1, NM_001407689.1, NM_001407686.1 and 11 more transcripts); c.3271G>T, p.Asp1091Tyr (NM_001407571.1, NM_001407853.1, NM_001407894.1 and 9 more transcripts); c.3481G>T, p.Asp1161Tyr (NM_001407587.1, NM_001407590.1, NM_001407591.1 and 22 more transcripts); c.3475G>T, p.Asp1159Tyr (NM_001407646.1, NM_001407647.1); c.3361G>T, p.Asp1121Tyr (NM_001407648.1, NM_001407664.1, NM_001407665.1 and 19 more transcripts); c.3406G>T, p.Asp1136Tyr (NM_001407653.1, NM_001407654.1, NM_001407655.1 and 4 more transcripts); c.3403G>T, p.Asp1135Tyr (NM_001407659.1, NM_001407660.1, NM_001407661.1 and 1 more transcripts); and 41 more; short protein forms D1162Y, D1115Y, D1074Y, D1095Y, D1114Y, D1136Y, D1034Y, D1035Y.
Identifiers: ClinVar variation 479213 (VCV000479213.15), dbSNP rs1555587619, ClinGen allele CA10595008.